The following is an entry in ClinVar:

NM_006218.4(PIK3CA):c.557A>G (p.Asp186Gly)

Gene: PIK3CA (phosphatidylinositol-4,5-bisphosphate 3-kinase catalytic subunit alpha; plus strand). Cytogenetic location: 3q26.32.
Variant type: single nucleotide variant.
Coding change: c.557A>G on transcript NM_006218.4 (MANE Select); coding-DNA position 557, A replaced by G.
Protein change: p.Asp186Gly; replaces aspartic acid 186 with glycine.
Molecular consequence: missense variant.
Genome position (GRCh38, 1-based): chr3:179,199,894, A>G. VCF-style: chr3-179199894-A-G. GRCh37 (hg19) VCF-style: chr3-178917682-A-G.
Other names: short protein forms D186G.
Identifiers: ClinVar variation 4627635 (VCV004627635.1).
Genomic context (GRCh38, chr3:179,199,894, plus strand): 5'-TCTATCCTCCAAATGTAGAATCTTCACCAGAATTGCCAAAGCACATATATAATAAATTAG[A>G]TAAAGGTAAGAAAATGACTAATCTACTCTAATCATTACTATAGTGCAGTCTTCTACCTGT-3'
Protein context (NP_006209.2, residues 176-196): ELPKHIYNKL[Asp186Gly]KGQIIVVIWV

ClinVar aggregate classification (germline): Uncertain significance (1 of 4 stars; one submission).

Conditions:
Inborn genetic diseases. Identifiers: MedGen C0950123, MeSH D030342.

gnomAD v4.1: 1 of 1,576,092 alleles (0.000063%); highest among the groups gnomAD compares: Non-Finnish European, 0.000087%; no homozygotes.

Submission:

Ambry Genetics
Classification: Uncertain significance for Inborn genetic diseases. Last evaluated: 2025-11-24. Review status: criteria provided, single submitter. Criteria: Ambry Variant Classification Scheme 2023. Collection method: clinical testing. Allele origin: germline.
Comment: The p.D186G variant (also known as c.557A>G), located in coding exon 2 of the PIK3CA gene, results from an A to G substitution at nucleotide position 557. The aspartic acid at codon 186 is replaced by glycine, an amino acid with similar properties. This amino acid position is conserved. In addition, the in silico prediction for this alteration is inconclusive. Based on the available evidence, the clinical significance of this variant remains unclear.